The following is an entry in ClinVar:

NM_001429.4(EP300):c.*5A>C

Gene: EP300 (E1A binding protein p300; plus strand). Cytogenetic location: 22q13.2.
Variant type: single nucleotide variant.
Coding change: c.*5A>C on transcript NM_001429.4 (MANE Select); 5 bases downstream of the stop codon, A replaced by C.
Molecular consequence: 3 prime UTR variant.
Genome position (GRCh38, 1-based): chr22:41,178,961, A>C. VCF-style: chr22-41178961-A-C. GRCh37 (hg19) VCF-style: chr22-41574965-A-C.
Other names: c.*5A>C (NM_001362843.2).
Identifiers: ClinVar variation 3351442 (VCV003351442.1).

ClinVar aggregate classification (germline): Likely benign (0 of 4 stars; one submission).

Conditions:
EP300-related disorder. Also called: EP300-related disorders; EP300-related condition.

gnomAD v4.1: 17 of 1,601,756 alleles (0.0011%); highest among the groups gnomAD compares: Middle Eastern, 0.033%; no homozygotes.

Submission:

PreventionGenetics, part of Exact Sciences
Classification: Likely benign for EP300-related condition. Last evaluated: 2023-06-07. Review status: no assertion criteria provided. Collection method: clinical testing. Allele origin: germline.
Comment: This variant is classified as likely benign based on ACMG/AMP sequence variant interpretation guidelines (Richards et al. 2015 PMID: 25741868, with internal and published modifications).